The following is an entry in ClinVar:

ClinVar aggregate classification (germline): Uncertain significance. Review status: criteria provided, multiple submitters, no conflicts (2 of 4 stars). 2 submissions from 2 submitters: Uncertain significance (2). Last evaluated 2025-08-20.

Allele frequency attached by ClinVar (database versions not stated): gnomAD 0.00001 and 0.00003; ExAC 0.00002; gnomAD exomes 0.00004 and 0.00009; TOPMed 0.00005.
gnomAD v4.1: 130 of 1,611,512 alleles (0.0081%); highest among the groups gnomAD compares: Non-Finnish European, 0.011%; 1 homozygote.

Submissions (2):

Ambry Genetics
Classification: Uncertain significance. Last evaluated: 2025-08-20. Review status: criteria provided, single submitter. Criteria: Ambry Variant Classification Scheme 2023. Collection method: clinical testing. Allele origin: germline.

Labcorp Genetics (formerly Invitae), Labcorp
Classification: Uncertain significance. Last evaluated: 2022-01-27. Review status: criteria provided, single submitter. Criteria: Invitae Variant Classification Sherloc (09022015). Collection method: clinical testing. Allele origin: germline.
Comment: This variant has not been reported in the literature in individuals affected with DISP1-related conditions. In summary, the available evidence is currently insufficient to determine the role of this variant in disease. Therefore, it has been classified as a Variant of Uncertain Significance. Algorithms developed to predict the effect of missense changes on protein structure and function (SIFT, PolyPhen-2, Align-GVGD) all suggest that this variant is likely to be tolerated. This variant is present in population databases (rs765644354, gnomAD 0.009%). This sequence change replaces serine, which is neutral and polar, with leucine, which is neutral and non-polar, at codon 114 of the DISP1 protein (p.Ser114Leu).

NM_001377229.1(DISP1):c.341C>T (p.Ser114Leu)

Gene: DISP1 (dispatched RND transporter family member 1; plus strand). Cytogenetic location: 1q41.
Variant type: single nucleotide variant.
Coding change: c.341C>T on transcript NM_001377229.1 (MANE Select); coding-DNA position 341, C replaced by T.
Protein change: p.Ser114Leu; replaces serine 114 with leucine.
Molecular consequence: missense variant. On other transcripts: 5 prime UTR variant (1).
Genome position (GRCh38, 1-based): chr1:222,943,164, C>T. VCF-style: chr1-222943164-C-T. GRCh37 (hg19) VCF-style: chr1-223116506-C-T.
Other names: c.-547C>T (NM_001350630.2); c.341C>T, p.Ser114Leu (NM_001369594.1, NM_001377228.1, NM_032890.5); c.341C>T (NM_032890.3); short protein forms S114L.
Identifiers: ClinVar variation 1499747 (VCV001499747.8), dbSNP rs765644354, ClinGen allele CA1408776.